The following is an entry in ClinVar:

ClinVar aggregate classification (germline): Uncertain significance (1 of 4 stars; one submission).

Submission:

Labcorp Genetics (formerly Invitae), Labcorp
Classification: Uncertain significance. Last evaluated: 2024-07-15. Review status: criteria provided, single submitter. Criteria: Invitae Variant Classification Sherloc (09022015). Collection method: clinical testing. Allele origin: germline.
Comment: This sequence change replaces glycine, which is neutral and non-polar, with arginine, which is basic and polar, at codon 1213 of the ALPK1 protein (p.Gly1213Arg). This variant is not present in population databases (gnomAD no frequency). This variant has not been reported in the literature in individuals affected with ALPK1-related conditions. An algorithm developed to predict the effect of missense changes on protein structure and function (PolyPhen-2) suggests that this variant is likely to be disruptive. In summary, the available evidence is currently insufficient to determine the role of this variant in disease. Therefore, it has been classified as a Variant of Uncertain Significance.

NM_025144.4(ALPK1):c.3637G>A (p.Gly1213Arg)

Gene: ALPK1 (alpha kinase 1; plus strand). Cytogenetic location: 4q25.
Variant type: single nucleotide variant.
Coding change: c.3637G>A on transcript NM_025144.4 (MANE Select); coding-DNA position 3637, G replaced by A.
Protein change: p.Gly1213Arg; replaces glycine 1213 with arginine.
Molecular consequence: missense variant.
Genome position (GRCh38, 1-based): chr4:112,441,015, G>A. VCF-style: chr4-112441015-G-A. GRCh37 (hg19) VCF-style: chr4-113362171-G-A.
Other names: c.3637G>A, p.Gly1213Arg (NM_001102406.2); c.3403G>A, p.Gly1135Arg (NM_001253884.2); short protein forms G1213R, G1135R.
Identifiers: ClinVar variation 2746970 (VCV002746970.3), dbSNP rs2476520399, ClinGen allele CA357912439.